The following is an entry in ClinVar:

NM_015267.4(CUX2):c.2773G>A (p.Gly925Ser)

Gene: CUX2 (cut like homeobox 2; plus strand). Cytogenetic location: 12q24.12.
Variant type: single nucleotide variant.
Coding change: c.2773G>A on transcript NM_015267.4 (MANE Select); coding-DNA position 2773, G replaced by A.
Protein change: p.Gly925Ser; replaces glycine 925 with serine.
Molecular consequence: missense variant.
Genome position (GRCh38, 1-based): chr12:111,322,427, G>A. VCF-style: chr12-111322427-G-A. GRCh37 (hg19) VCF-style: chr12-111760231-G-A.
Other names: c.2587G>A, p.Gly863Ser (NM_001370598.1); short protein forms G863S, G925S.
Identifiers: ClinVar variation 2643305 (VCV002643305.24), dbSNP rs2499875859, ClinGen allele CA386714320.

ClinVar aggregate classification (germline): Uncertain significance (1 of 4 stars; one submission).

Submission:

CeGaT Center for Human Genetics Tuebingen
Classification: Uncertain significance. Last evaluated: 2023-09-01. Review status: criteria provided, single submitter. Criteria: CeGaT Center For Human Genetics Tuebingen Variant Classification Criteria Version 2. Collection method: clinical testing. Allele origin: germline. Affected: yes. Observed: 1 variant allele.
Comment: CUX2: PM2